The following is an entry in ClinVar:

ClinVar aggregate classification (germline): Likely benign (1 of 4 stars; one submission).

Submission:

CeGaT Center for Human Genetics Tuebingen
Classification: Likely benign. Last evaluated: 2023-11-01. Review status: criteria provided, single submitter. Criteria: CeGaT Center For Human Genetics Tuebingen Variant Classification Criteria Version 2. Collection method: clinical testing. Allele origin: germline. Affected: yes. Observed: 1 variant allele.
Comment: MBD4: PM2:Supporting, BP4, BP7

NM_001276270.2(MBD4):c.816T>C (p.Asp272=)

Gene: MBD4 (methyl-CpG binding domain 4, DNA glycosylase; minus strand). Cytogenetic location: 3q21.3.
Variant type: single nucleotide variant.
Coding change: c.816T>C on transcript NM_001276270.2 (MANE Select); coding-DNA position 816, T replaced by C.
Protein change: p.Asp272=; no amino-acid change (aspartic acid 272 retained).
Molecular consequence: synonymous variant. On other transcripts: intron variant (1).
Genome position (GRCh38, 1-based): chr3:129,436,828, A>G on the plus strand (T>C on the coding strand, the complement: MBD4 is on the minus strand). VCF-style: chr3-129436828-A-G. GRCh37 (hg19) VCF-style: chr3-129155671-A-G.
Other names: c.816T>C, p.Asp272= (NM_001276271.2, NM_001276272.2, NM_003925.3); c.247+980T>C (NM_001276273.2).
Identifiers: ClinVar variation 2672957 (VCV002672957.23), dbSNP rs2530720526, ClinGen allele CA435768037.